The following is an entry in ClinVar:

NM_004722.4(AP4M1):c.1225T>C (p.Phe409Leu)

Gene: AP4M1 (adaptor related protein complex 4 subunit mu 1; plus strand). Cytogenetic location: 7q22.1.
Variant type: single nucleotide variant.
Coding change: c.1225T>C on transcript NM_004722.4 (MANE Select); coding-DNA position 1225, T replaced by C.
Protein change: p.Phe409Leu; replaces phenylalanine 409 with leucine.
Molecular consequence: missense variant.
Genome position (GRCh38, 1-based): chr7:100,106,745, T>C. VCF-style: chr7-100106745-T-C. GRCh37 (hg19) VCF-style: chr7-99704368-T-C.
Other names: c.1246T>C, p.Phe416Leu (NM_001363671.2); short protein forms F409L, F416L.
Identifiers: ClinVar variation 522649 (VCV000522649.10), dbSNP rs760907496, ClinGen allele CA4375034.
Genomic context (GRCh38, chr7:100,106,745, plus strand): 5'-CCCAGCCATGGGCTCTCCACCTCGGCCTCTCCTCTGGGGCTGGGCCCTGCCAGTCTCTCC[T>C]TCGAGCTTCCCCGGCACACGTGCTCTGGCCTCCAGGTCCGATTCCTCAGGCTGGCCTTCA-3'
Protein context (NP_004713.2, residues 399-419): PLGLGPASLS[Phe409Leu]ELPRHTCSGL

ClinVar aggregate classification (germline): Conflicting classifications of pathogenicity. Review status: criteria provided, conflicting classifications (1 of 4 stars). 3 submissions from 3 submitters: Likely pathogenic (2); Uncertain significance (1). Last evaluated 2022-08-09.

Conditions:
Hereditary spastic paraplegia 50 (SPG50). Also called: Spastic paraplegia 50, autosomal recessive. Identifiers: Orphanet 280763, MedGen C2752008, MONDO:0013048, OMIM 612936.

Allele frequency attached by ClinVar (database versions not stated): gnomAD exomes below 0.00001 and 0.00001; ExAC 0.00001.

Submissions (3):

Labcorp Genetics (formerly Invitae), Labcorp
Classification: Uncertain significance for Hereditary spastic paraplegia 50. Last evaluated: 2022-08-09. Review status: criteria provided, single submitter. Criteria: Invitae Variant Classification Sherloc (09022015). Collection method: clinical testing. Allele origin: germline.
Comment: This sequence change replaces phenylalanine, which is neutral and non-polar, with leucine, which is neutral and non-polar, at codon 409 of the AP4M1 protein (p.Phe409Leu). This variant is present in population databases (rs760907496, gnomAD 0.003%). This variant has not been reported in the literature in individuals affected with AP4M1-related conditions. ClinVar contains an entry for this variant (Variation ID: 522649). Algorithms developed to predict the effect of missense changes on protein structure and function are either unavailable or do not agree on the potential impact of this missense change (SIFT: "Deleterious"; PolyPhen-2: "Probably Damaging"; Align-GVGD: "Class C0"). In summary, the available evidence is currently insufficient to determine the role of this variant in disease. Therefore, it has been classified as a Variant of Uncertain Significance.

Dasa
Classification: Likely pathogenic for Hereditary spastic paraplegia 50. Last evaluated: 2022-03-25. Review status: criteria provided, single submitter. Criteria: ACMG Guidelines, 2015. Collection method: clinical testing. Allele origin: germline. Affected: yes. Observed: 1 variant allele.
Comment: The variant is located in a mutational hot spot and/or critical and well-established functional domain (Adap_comp_sub) - PM1. This variant is not present in population databases (rs760907496- gnomAD; ABraOM no frequency.) - PM2. The p.(Phe409Leu) was detected in a homozygous state in the analyzed sample - - PM3_supporting. Multiple lines of computational evidence support a deleterious effect on the gene or gene product - PP3. In summary, the currently available evidence indicates that the variant is likely pathogenic

Genomic Research Center, Shahid Beheshti University of Medical Sciences
Classification: Likely pathogenic for Spastic paraplegia 50, autosomal recessive. Last evaluated: 2020-05-03. Review status: criteria provided, single submitter. Criteria: ACMG Guidelines, 2015. Collection method: clinical testing. Allele origin: unknown. Affected: yes.